The following is an entry in ClinVar:

ClinVar aggregate classification (germline): Uncertain significance (1 of 4 stars; one submission).

Submission:

GeneDx
Classification: Uncertain significance. Last evaluated: 2026-02-05. Review status: criteria provided, single submitter. Criteria: GeneDx Variant Classification Process June 2021. Collection method: clinical testing. Allele origin: germline.
Comment: Not observed at significant frequency in large population cohorts (gnomAD); Frameshift variant predicted to result in protein truncation or nonsense mediated decay in a gene or region of a gene for which loss of function is not a well-established mechanism of disease; Has not been previously published as pathogenic or benign to our knowledge

NM_001205293.3(CACNA1E):c.2891del (p.Gly964fs)

Gene: CACNA1E (calcium voltage-gated channel subunit alpha1 E; plus strand). Cytogenetic location: 1q25.3.
Variant type: Deletion.
Coding change: c.2891del on transcript NM_001205293.3 (MANE Select); coding-DNA position 2891, one base deleted (G; older notation c.2891delG).
Protein change: p.Gly964fs; shifts the reading frame from glycine 964.
Molecular consequence: frameshift variant.
Genome position (GRCh38, 1-based): chr1:181,732,977, G deleted; the last of 4 consecutive G bases (chr1:181,732,974-181,732,977); deleting any one gives the same sequence. VCF-style (leftmost placement, unchanged base first): chr1-181732973-AG-A. GRCh37 (hg19) VCF-style: chr1-181702109-AG-A.
Other names: c.2891del, p.Gly964fs (NM_000721.4); c.2834del, p.Gly945fs (NM_001205294.2); short protein forms G945fs, G964fs.
Identifiers: ClinVar variation 4976266 (VCV004976266.1).